The following is an entry in ClinVar:

ClinVar aggregate classification (germline): Likely pathogenic (1 of 4 stars; one submission).

Conditions:
Intellectual developmental disorder, autosomal dominant 55, with seizures. Also called: Intellectual disability, autosomal dominant 55, with seizures; MENTAL RETARDATION, AUTOSOMAL DOMINANT 55, WITH SEIZURES. Identifiers: MedGen C4693371, MONDO:0030921, OMIM 617831.

Submission:

3billion
Classification: Likely pathogenic for Intellectual developmental disorder, autosomal dominant 55, with seizures. Last evaluated: 2024-12-31. Review status: criteria provided, single submitter. Criteria: ACMG Guidelines, 2015. Collection method: clinical testing. Allele origin: germline. Affected: yes.
Comment: The variant is not observed in the gnomAD v4.1.0 dataset. Predicted Consequence/Location: Stop-gained (nonsense): predicted to result in a loss or disruption of normal protein function through nonsense-mediated decay (NMD) or protein truncation. Multiple pathogenic variants are reported downstream of the variant. Therefore, this variant is classified as Likely pathogenic according to the recommendation of ACMG/AMP guideline.

NM_138459.5(NUS1):c.613C>T (p.Gln205Ter)

Gene: NUS1 (NUS1 dehydrodolichyl diphosphate synthase subunit; plus strand). Cytogenetic location: 6q22.1.
Variant type: single nucleotide variant.
Coding change: c.613C>T on transcript NM_138459.5 (MANE Select); coding-DNA position 613, C replaced by T.
Protein change: p.Gln205Ter; replaces glutamine 205 with a stop codon.
Molecular consequence: nonsense.
Genome position (GRCh38, 1-based): chr6:117,694,102, C>T. VCF-style: chr6-117694102-C-T. GRCh37 (hg19) VCF-style: chr6-118015265-C-T.
Other names: short protein forms Q205*.
Identifiers: ClinVar variation 4293580 (VCV004293580.1).
Genomic context (GRCh38, chr6:117,694,102, plus strand): 5'-CATTTGGCAGTGAAGGTGCTGTCTCCGGAAGATGGAAAAGCAGATATTGTAAGAGCTGCT[C>T]AGGACTTTTGCCAGTTAGTAGCCCAGAAGCAAAAGAGACCCACAGATTTGGATGTAGATA-3'